The following is an entry in ClinVar:

NM_006206.6(PDGFRA):c.2788G>A (p.Val930Met)

Gene: PDGFRA (platelet derived growth factor receptor alpha; plus strand). Cytogenetic location: 4q12.
Variant type: single nucleotide variant.
Coding change: c.2788G>A on transcript NM_006206.6 (MANE Select); coding-DNA position 2788, G replaced by A.
Protein change: p.Val930Met; replaces valine 930 with methionine.
Molecular consequence: missense variant.
Genome position (GRCh38, 1-based): chr4:54,289,022, G>A. VCF-style: chr4-54289022-G-A. GRCh37 (hg19) VCF-style: chr4-55155189-G-A.
Other names: c.2863G>A, p.Val955Met (NM_001347828.2); c.2788G>A, p.Val930Met (NM_001347829.2); c.2827G>A, p.Val943Met (NM_001347830.2); short protein forms V955M, V930M, V943M.
Identifiers: ClinVar variation 958751 (VCV000958751.11), dbSNP rs1724498597, ClinGen allele CA356895671.
Genomic context (GRCh38, chr4:54,289,022, plus strand): 5'-GCCCTGAGACTTCCCCCTGTGCCCACTCTTGAGTTCTGTCCCCACAGCTACGAGATCATG[G>A]TGAAATGCTGGAACAGTGAGCCGGAGAAGAGACCCTCCTTTTACCACCTGAGTGAGATTG-3'
Protein context (NP_006197.1, residues 920-940): HATSEVYEIM[Val930Met]KCWNSEPEKR

ClinVar aggregate classification (germline): Uncertain significance. Review status: criteria provided, multiple submitters, no conflicts (2 of 4 stars). 2 submissions from 2 submitters: Uncertain significance (2). Last evaluated 2026-01-20.

Conditions:
Hereditary cancer-predisposing syndrome. Also called: Hereditary neoplastic syndrome; Neoplastic Syndromes, Hereditary; Hereditary Cancer Syndrome; Tumor predisposition. Identifiers: Orphanet 140162, MedGen C0027672, MeSH D009386, MONDO:0015356.
Gastrointestinal stromal tumor. Also called: Gastrointestinal stromal tumor, somatic; Gastrointestinal stroma tumor. Identifiers: Orphanet 44890, MedGen C0238198, MeSH D046152, MONDO:0011719, OMIM 606764, HP:0100723.

Allele frequency attached by ClinVar (database versions not stated): gnomAD 0.00001 and below 0.00001; gnomAD exomes 0.00003.
gnomAD v4.1: 26 of 1,609,606 alleles (0.0016%); highest among the groups gnomAD compares: Non-Finnish European, 0.0021%; no homozygotes.

Submissions (2):

Labcorp Genetics (formerly Invitae), Labcorp
Classification: Uncertain significance for Gastrointestinal stromal tumor. Last evaluated: 2026-01-20. Review status: criteria provided, single submitter. Criteria: Invitae Variant Classification Sherloc (09022015). Collection method: clinical testing. Allele origin: germline.
Comment: This sequence change replaces valine, which is neutral and non-polar, with methionine, which is neutral and non-polar, at codon 930 of the PDGFRA protein (p.Val930Met). This variant is not present in population databases (gnomAD no frequency). This variant has not been reported in the literature in individuals affected with PDGFRA-related conditions. ClinVar contains an entry for this variant (Variation ID: 958751). Invitae Evidence Modeling of protein sequence and biophysical properties (such as structural, functional, and spatial information, amino acid conservation, physicochemical variation, residue mobility, and thermodynamic stability) indicates that this missense variant is not expected to disrupt PDGFRA protein function with a negative predictive value of 80%. In summary, the available evidence is currently insufficient to determine the role of this variant in disease. Therefore, it has been classified as a Variant of Uncertain Significance.

Ambry Genetics
Classification: Uncertain significance for Hereditary cancer-predisposing syndrome. Last evaluated: 2025-05-25. Review status: criteria provided, single submitter. Criteria: Ambry Variant Classification Scheme 2023. Collection method: clinical testing. Allele origin: germline.
Comment: The p.V930M variant (also known as c.2788G>A), located in coding exon 20 of the PDGFRA gene, results from a G to A substitution at nucleotide position 2788. The valine at codon 930 is replaced by methionine, an amino acid with highly similar properties. This amino acid position is not well conserved in available vertebrate species. In addition, this alteration is predicted to be tolerated by in silico analysis. Based on the available evidence, the clinical significance of this variant remains unclear.